The following is an entry in ClinVar:

ClinVar aggregate classification (germline): Pathogenic (1 of 4 stars; one submission).

Submission:

CeGaT Center for Human Genetics Tuebingen
Classification: Pathogenic. Last evaluated: 2026-01-01. Review status: criteria provided, single submitter. Criteria: CeGaT Center For Human Genetics Tuebingen Variant Classification Criteria Version 2. Collection method: clinical testing. Allele origin: germline. Affected: yes. Observed: 1 variant allele.
Comment: CLCN1: PVS1, PM2

NM_000083.3(CLCN1):c.398G>A (p.Trp133Ter)

Gene: CLCN1 (chloride voltage-gated channel 1; plus strand). Cytogenetic location: 7q34.
Variant type: single nucleotide variant.
Coding change: c.398G>A on transcript NM_000083.3 (MANE Select); coding-DNA position 398, G replaced by A.
Protein change: p.Trp133Ter; replaces tryptophan 133 with a stop codon.
Molecular consequence: nonsense. On other transcripts: non-coding transcript variant (1).
Genome position (GRCh38, 1-based): chr7:143,320,760, G>A. VCF-style: chr7-143320760-G-A. GRCh37 (hg19) VCF-style: chr7-143017853-G-A.
Other names: short protein forms W133*.
Identifiers: ClinVar variation 4822844 (VCV004822844.4).